The following is an entry in ClinVar:

NM_001326342.2:c.355-6858_403+3281del

Gene: CELF2 (CUGBP Elav-like family member 2; plus strand).
Variant type: Deletion.
Other names: c.355-6858_403+3281del (NM_001326342.2).
Identifiers: ClinVar variation 4879431 (VCV004879431.1).

ClinVar aggregate classification (germline): Pathogenic (1 of 4 stars; one submission).

Conditions:
Developmental and epileptic encephalopathy 97 (DEE97). Identifiers: MedGen C5561999, MONDO:0030453, OMIM 619561.

Submission:

Institute of Human Genetics, University of Leipzig Medical Center
Classification: Pathogenic for Developmental and epileptic encephalopathy 97. Last evaluated: 2026-06-26. Review status: criteria provided, single submitter. Criteria: ACMG Guidelines, 2015. Collection method: clinical testing. Allele origin: unknown. Inheritance: Autosomal dominant inheritance. Affected: yes.
Comment: Criteria applied: PVS1, PM2